The following is an entry in ClinVar:

ClinVar aggregate classification (germline): Uncertain significance. Review status: criteria provided, multiple submitters, no conflicts (2 of 4 stars). 2 submissions from 2 submitters: Uncertain significance (2). Last evaluated 2024-10-21.

Conditions:
Neuropathy, hereditary sensory and autonomic, type 2A (HSAN2A). Also called: ACROOSTEOLYSIS, GIACCAI TYPE; ACROOSTEOLYSIS, NEUROGENIC; MORVAN DISEASE; NEUROPATHY, CONGENITAL SENSORY; NEUROPATHY, HEREDITARY SENSORY RADICULAR, AUTOSOMAL RECESSIVE; NEUROPATHY, HEREDITARY SENSORY, TYPE IIA. Identifiers: Orphanet 970, MedGen C2752089, MONDO:0024309, OMIM 201300.
Pseudohypoaldosteronism type 2C (PHA2C). Also called: Pseudohypoaldosteronism Type IIC. Identifiers: Orphanet 757, Orphanet 88940, MedGen C1840391, MONDO:0013778, OMIM 614492.

gnomAD v4.1: 1 of 1,611,978 alleles (0.000062%); highest among the groups gnomAD compares: Admixed American, 0.0017%; no homozygotes.

Submissions (2):

Labcorp Genetics (formerly Invitae), Labcorp
Classification: Uncertain significance for Neuropathy, hereditary sensory and autonomic, type 2A; Pseudohypoaldosteronism type 2C. Last evaluated: 2024-10-21. Review status: criteria provided, single submitter. Criteria: Invitae Variant Classification Sherloc (09022015). Collection method: clinical testing. Allele origin: germline.
Comment: This sequence change replaces proline, which is neutral and non-polar, with alanine, which is neutral and non-polar, at codon 108 of the WNK1 protein (p.Pro108Ala). This variant is present in population databases (no rsID available, gnomAD 0.003%). This variant has not been reported in the literature in individuals affected with WNK1-related conditions. ClinVar contains an entry for this variant (Variation ID: 2418218). Invitae Evidence Modeling of protein sequence and biophysical properties (such as structural, functional, and spatial information, amino acid conservation, physicochemical variation, residue mobility, and thermodynamic stability) indicates that this missense variant is not expected to disrupt WNK1 protein function with a negative predictive value of 95%. In summary, the available evidence is currently insufficient to determine the role of this variant in disease. Therefore, it has been classified as a Variant of Uncertain Significance.

Fulgent Genetics
Classification: Uncertain significance for Neuropathy, hereditary sensory and autonomic, type 2A; Pseudohypoaldosteronism type 2C. Last evaluated: 2024-05-20. Review status: criteria provided, single submitter. Criteria: ACMG Guidelines, 2015. Collection method: clinical testing. Allele origin: germline.

NM_018979.4(WNK1):c.322C>G (p.Pro108Ala)

Gene: WNK1 (WNK lysine deficient protein kinase 1; plus strand). Cytogenetic location: 12p13.33.
Variant type: single nucleotide variant.
Coding change: c.322C>G on transcript NM_018979.4 (MANE Select); coding-DNA position 322, C replaced by G.
Protein change: p.Pro108Ala; replaces proline 108 with alanine.
Molecular consequence: missense variant.
Genome position (GRCh38, 1-based): chr12:753,887, C>G. VCF-style: chr12-753887-C-G. GRCh37 (hg19) VCF-style: chr12-863053-C-G.
Other names: c.322C>G, p.Pro108Ala (NM_001184985.2, NM_014823.3, NM_213655.5); short protein forms P108A.
Identifiers: ClinVar variation 2418218 (VCV002418218.7), dbSNP rs1451793795, ClinGen allele CA383304794.
Genomic context (GRCh38, chr12:753,887, plus strand): 5'-TCCAATGCCACTGCACTGGAGCTTCCCGGCCTTCCTCTTTCCCTGCCCCAGCCCAGCATC[C>G]CCGCGGCTGTCCCGCAGAGTGCTCCACCGGAGCCCCACCGGGAAGAGACCGTGACCGCCA-3'
Protein context (NP_061852.3, residues 98-118): LPLSLPQPSI[Pro108Ala]AAVPQSAPPE